The following is an entry in ClinVar:

ClinVar aggregate classification (germline): Uncertain significance (1 of 4 stars; one submission).

Conditions:
Pulmonary hypertension, primary, 3. Identifiers: Orphanet 422, MedGen C3809192, MONDO:0014135, OMIM 615343.

gnomAD v4.1: 4 of 1,614,122 alleles (0.00025%); highest among the groups gnomAD compares: Non-Finnish European, 0.00034%; no homozygotes.

Submission:

Labcorp Genetics (formerly Invitae), Labcorp
Classification: Uncertain significance for Pulmonary hypertension, primary, 3. Last evaluated: 2026-01-06. Review status: criteria provided, single submitter. Criteria: Invitae Variant Classification Sherloc (09022015). Collection method: clinical testing. Allele origin: germline.
Comment: This sequence change replaces arginine, which is basic and polar, with histidine, which is basic and polar, at codon 54 of the CAV1 protein (p.Arg54His). This variant is not present in population databases (gnomAD no frequency). This variant has not been reported in the literature in individuals affected with CAV1-related conditions. An algorithm developed to predict the effect of missense changes on protein structure and function (PolyPhen-2) suggests that this variant is likely to be disruptive. In summary, the available evidence is currently insufficient to determine the role of this variant in disease. Therefore, it has been classified as a Variant of Uncertain Significance.

NM_001753.5(CAV1):c.161G>A (p.Arg54His)

Genes: CAV1 (caveolin 1; plus strand), LOC129999169 (ATAC-STARR-seq lymphoblastoid silent region 18558; plus strand). Cytogenetic location: 7q31.2.
Variant type: single nucleotide variant.
Coding change: c.161G>A on transcript NM_001753.5 (MANE Select); coding-DNA position 161, G replaced by A.
Protein change: p.Arg54His; replaces arginine 54 with histidine.
Molecular consequence: missense variant.
Genome position (GRCh38, 1-based): chr7:116,526,655, G>A. VCF-style: chr7-116526655-G-A. GRCh37 (hg19) VCF-style: chr7-116166709-G-A.
Other names: c.68G>A, p.Arg23His (NM_001172895.1, NM_001172896.2, NM_001172897.2); short protein forms R23H, R54H.
Identifiers: ClinVar variation 4718144 (VCV004718144.1).